The following is an entry in ClinVar:

NM_004064.5(CDKN1B):c.133T>G (p.Leu45Val)

Gene: CDKN1B (cyclin dependent kinase inhibitor 1B; plus strand). Cytogenetic location: 12p13.1.
Variant type: single nucleotide variant.
Coding change: c.133T>G on transcript NM_004064.5 (MANE Select); coding-DNA position 133, T replaced by G.
Protein change: p.Leu45Val; replaces leucine 45 with valine.
Molecular consequence: missense variant.
Genome position (GRCh38, 1-based): chr12:12,717,972, T>G. VCF-style: chr12-12717972-T-G. GRCh37 (hg19) VCF-style: chr12-12870906-T-G.
Other names: short protein forms L45V.
Identifiers: ClinVar variation 3223670 (VCV003223670.1), dbSNP rs2497404236, ClinGen allele CA383968879.

ClinVar aggregate classification (germline): Uncertain significance (1 of 4 stars; one submission).

Conditions:
Hereditary cancer-predisposing syndrome. Also called: Tumor predisposition; Hereditary neoplastic syndrome; Hereditary Cancer Syndrome; Neoplastic Syndromes, Hereditary. Identifiers: Orphanet 140162, MedGen C0027672, MeSH D009386, MONDO:0015356.

Submission:

Ambry Genetics
Classification: Uncertain significance for Hereditary cancer-predisposing syndrome. Last evaluated: 2023-09-23. Review status: criteria provided, single submitter. Criteria: Ambry Variant Classification Scheme 2023. Collection method: clinical testing. Allele origin: germline.
Comment: The p.L45V variant (also known as c.133T>G), located in coding exon 1 of the CDKN1B gene, results from a T to G substitution at nucleotide position 133. The leucine at codon 45 is replaced by valine, an amino acid with highly similar properties. This amino acid position is conserved. In addition, the in silico prediction for this alteration is inconclusive. Since supporting evidence is limited at this time, the clinical significance of this alteration remains unclear.